The following is an entry in ClinVar:

ClinVar aggregate classification (germline): Uncertain significance. Review status: criteria provided, multiple submitters, no conflicts (2 of 4 stars). 3 submissions from 3 submitters: Uncertain significance (3). Last evaluated 2024-10-29.

Conditions:
Acrocallosal syndrome (ACLS). Also called: Schinzel syndrome 1; Absence of corpus callosum with unusual facial appearance, mental deficiency, duplication of the halluces and polydactyly; HALLUX DUPLICATION, POSTAXIAL POLYDACTYLY, AND ABSENCE OF CORPUS CALLOSUM. Identifiers: Orphanet 36, MedGen C0796147, MONDO:0008708, OMIM 200990.
Hydrolethalus syndrome 2 (HLS2). Identifiers: Orphanet 2189, MedGen C3279899, MONDO:0013585, OMIM 614120.
Multiple epiphyseal dysplasia, Al-Gazali type. Also called: Macrocephaly with multiple epiphyseal dysplasia and distinctive facies. Identifiers: Orphanet 166024, MedGen C1846722, MONDO:0011778, OMIM 607131.
Inborn genetic diseases. Identifiers: MedGen C0950123, MeSH D030342.

Allele frequency attached by ClinVar (database versions not stated): gnomAD exomes below 0.00001; gnomAD 0.00001; ExAC 0.00003.
gnomAD v4.1: 3 of 1,583,538 alleles (0.00019%); highest among the groups gnomAD compares: Non-Finnish European, 0.00026%; no homozygotes.

Submissions (3):

Labcorp Genetics (formerly Invitae), Labcorp
Classification: Uncertain significance for Acrocallosal syndrome. Last evaluated: 2024-10-29. Review status: criteria provided, single submitter. Criteria: Invitae Variant Classification Sherloc (09022015). Collection method: clinical testing. Allele origin: germline.
Comment: This sequence change replaces glutamic acid, which is acidic and polar, with lysine, which is basic and polar, at codon 1023 of the KIF7 protein (p.Glu1023Lys). The frequency data for this variant in the population databases is considered unreliable, as metrics indicate poor data quality at this position in the gnomAD database. This variant has not been reported in the literature in individuals affected with KIF7-related conditions. ClinVar contains an entry for this variant (Variation ID: 2083389). Invitae Evidence Modeling of protein sequence and biophysical properties (such as structural, functional, and spatial information, amino acid conservation, physicochemical variation, residue mobility, and thermodynamic stability) has been performed for this missense variant. However, the output from this modeling did not meet the statistical confidence thresholds required to predict the impact of this variant on KIF7 protein function. In summary, the available evidence is currently insufficient to determine the role of this variant in disease. Therefore, it has been classified as a Variant of Uncertain Significance.

Fulgent Genetics
Classification: Uncertain significance for Acrocallosal syndrome; Multiple epiphyseal dysplasia, Al-Gazali type; Hydrolethalus syndrome 2. Last evaluated: 2024-04-29. Review status: criteria provided, single submitter. Criteria: ACMG Guidelines, 2015. Collection method: clinical testing. Allele origin: germline.

Ambry Genetics
Classification: Uncertain significance for Inborn genetic diseases. Last evaluated: 2024-01-03. Review status: criteria provided, single submitter. Criteria: Ambry Variant Classification Scheme 2023. Collection method: clinical testing. Allele origin: germline.

NM_198525.3(KIF7):c.3067G>A (p.Glu1023Lys)

Gene: KIF7 (kinesin family member 7; minus strand). Cytogenetic location: 15q26.1.
Variant type: single nucleotide variant.
Coding change: c.3067G>A on transcript NM_198525.3 (MANE Select); coding-DNA position 3067, G replaced by A.
Protein change: p.Glu1023Lys; replaces glutamic acid 1023 with lysine.
Molecular consequence: missense variant.
Genome position (GRCh38, 1-based): chr15:89,631,539, C>T on the plus strand (G>A on the coding strand, the complement: KIF7 is on the minus strand). VCF-style: chr15-89631539-C-T. GRCh37 (hg19) VCF-style: chr15-90174770-C-T.
Other names: c.3067G>A (NM_198525.2); short protein forms E1023K.
Identifiers: ClinVar variation 2083389 (VCV002083389.6), dbSNP rs761599017, ClinGen allele CA7727841.